The following is an entry in ClinVar:

NM_000878.5(IL2RB):c.997G>A (p.Val333Met)

Gene: IL2RB (interleukin 2 receptor subunit beta; minus strand). Cytogenetic location: 22q12.3.
Variant type: single nucleotide variant.
Coding change: c.997G>A on transcript NM_000878.5 (MANE Select); coding-DNA position 997, G replaced by A.
Protein change: p.Val333Met; replaces valine 333 with methionine.
Molecular consequence: missense variant.
Genome position (GRCh38, 1-based): chr22:37,128,755, C>T on the plus strand (G>A on the coding strand, the complement: IL2RB is on the minus strand). VCF-style: chr22-37128755-C-T. GRCh37 (hg19) VCF-style: chr22-37524795-C-T.
Other names: c.997G>A, p.Val333Met (NM_001346222.1, NM_001346223.2); short protein forms V333M.
Identifiers: ClinVar variation 2986360 (VCV002986360.1), dbSNP rs780229147, ClinGen allele CA10216447.

ClinVar aggregate classification (germline): Uncertain significance (1 of 4 stars; one submission).

gnomAD v4.1: 8 of 1,614,130 alleles (0.0005%); highest among the groups gnomAD compares: Non-Finnish European, 0.00068%; no homozygotes.

Submission:

Labcorp Genetics (formerly Invitae), Labcorp
Classification: Uncertain significance. Last evaluated: 2023-10-26. Review status: criteria provided, single submitter. Criteria: Invitae Variant Classification Sherloc (09022015). Collection method: clinical testing. Allele origin: germline.
Comment: This sequence change replaces valine, which is neutral and non-polar, with methionine, which is neutral and non-polar, at codon 333 of the IL2RB protein (p.Val333Met). This variant is present in population databases (rs780229147, gnomAD 0.004%). This variant has not been reported in the literature in individuals affected with IL2RB-related conditions. An algorithm developed to predict the effect of missense changes on protein structure and function (PolyPhen-2) suggests that this variant¬†is likely to be tolerated. In summary, the available evidence is currently insufficient to determine the role of this variant in disease. Therefore, it has been classified as a Variant of Uncertain Significance.